The following is an entry in ClinVar:

ClinVar aggregate classification (germline): Uncertain significance (1 of 4 stars; one submission).

Allele frequency attached by ClinVar (database versions not stated): gnomAD 0.00002; TOPMed 0.00006; ExAC 0.00009.
gnomAD v4.1: 9 of 1,572,084 alleles (0.00057%); highest among the groups gnomAD compares: Admixed American, 0.016%; no homozygotes.

Submission:

Labcorp Genetics (formerly Invitae), Labcorp
Classification: Uncertain significance. Last evaluated: 2022-08-09. Review status: criteria provided, single submitter. Criteria: Invitae Variant Classification Sherloc (09022015). Collection method: clinical testing. Allele origin: germline.
Comment: In summary, the available evidence is currently insufficient to determine the role of this variant in disease. Therefore, it has been classified as a Variant of Uncertain Significance. Algorithms developed to predict the effect of missense changes on protein structure and function (SIFT, PolyPhen-2, Align-GVGD) all suggest that this variant is likely to be disruptive. This variant has not been reported in the literature in individuals affected with ATP8A2-related conditions. This variant is present in population databases (rs199883588, gnomAD 0.02%). This sequence change replaces proline, which is neutral and non-polar, with arginine, which is basic and polar, at codon 110 of the ATP8A2 protein (p.Pro110Arg).

NM_016529.6(ATP8A2):c.329C>G (p.Pro110Arg)

Gene: ATP8A2 (ATPase phospholipid transporting 8A2). Cytogenetic location: 13q12.13.
Variant type: single nucleotide variant.
Coding change: c.329C>G on transcript NM_016529.6 (MANE Select); coding-DNA position 329, C replaced by G.
Protein change: p.Pro110Arg; replaces proline 110 with arginine.
Molecular consequence: missense variant.
Genome position (GRCh38, 1-based): chr13:25,530,569, C>G. VCF-style: chr13-25530569-C-G. GRCh37 (hg19) VCF-style: chr13-26104707-C-G.
Other names: c.209C>G, p.Pro70Arg (NM_001313741.1); c.329C>G, p.Pro110Arg (NM_001411005.1, NM_001411006.1); short protein forms P110R, P70R.
Identifiers: ClinVar variation 2197331 (VCV002197331.2), dbSNP rs199883588, ClinGen allele CA6922531.
Genomic context (GRCh38, chr13:25,530,569, plus strand): 5'-TGGAGAGGATTTTTAATGTGCCAACTTCCTACTTGTGGTCTCTTATCTTCCAGCAAATTC[C>G]AGATGTATCTCCAACAGGAAGATATACCACCCTGGTGCCATTGATCATTATTTTAACAAT-3'
Protein context (NP_057613.4, residues 100-120): FLFIALLQQI[Pro110Arg]DVSPTGRYTT